The following is an entry in ClinVar:

NM_001851.6(COL9A1):c.2039C>G (p.Ala680Gly)

Gene: COL9A1 (collagen type IX alpha 1 chain; minus strand). Cytogenetic location: 6q13.
Variant type: single nucleotide variant.
Coding change: c.2039C>G on transcript NM_001851.6 (MANE Select); coding-DNA position 2039, C replaced by G.
Protein change: p.Ala680Gly; replaces alanine 680 with glycine.
Molecular consequence: missense variant. On other transcripts: non-coding transcript variant (1).
Genome position (GRCh38, 1-based): chr6:70,240,729, G>C on the plus strand (C>G on the coding strand, the complement: COL9A1 is on the minus strand). VCF-style: chr6-70240729-G-C. GRCh37 (hg19) VCF-style: chr6-70950432-G-C.
Other names: c.1340C>G, p.Ala447Gly (NM_001377289.1); c.1310C>G, p.Ala437Gly (NM_001377290.1, NM_078485.4); short protein forms A680G, A447G, A437G.
Identifiers: ClinVar variation 1468200 (VCV001468200.8), dbSNP rs1036563613, ClinGen allele CA364674988.

ClinVar aggregate classification (germline): Uncertain significance (1 of 4 stars; one submission).

Submission:

Labcorp Genetics (formerly Invitae), Labcorp
Classification: Uncertain significance. Last evaluated: 2021-03-23. Review status: criteria provided, single submitter. Criteria: Invitae Variant Classification Sherloc (09022015). Collection method: clinical testing. Allele origin: germline.
Comment: This sequence change replaces alanine with glycine at codon 680 of the COL9A1 protein (p.Ala680Gly). The alanine residue is moderately conserved and there is a small physicochemical difference between alanine and glycine. This variant is not present in population databases (ExAC no frequency). This variant has not been reported in the literature in individuals with COL9A1-related conditions. Advanced modeling of protein sequence and biophysical properties (such as structural, functional, and spatial information, amino acid conservation, physicochemical variation, residue mobility, and thermodynamic stability) performed at Invitae indicates that this missense variant is not expected to disrupt COL9A1 protein function. In summary, the available evidence is currently insufficient to determine the role of this variant in disease. Therefore, it has been classified as a Variant of Uncertain Significance.